The following is an entry in ClinVar:

NM_153682.3(PIGP):c.376G>C (p.Ala126Pro)

Gene: PIGP (phosphatidylinositol glycan anchor biosynthesis class P; minus strand). Cytogenetic location: 21q22.13.
Variant type: single nucleotide variant.
Coding change: c.376G>C on transcript NM_153682.3 (MANE Select); coding-DNA position 376, G replaced by C.
Protein change: p.Ala126Pro; replaces alanine 126 with proline.
Molecular consequence: missense variant.
Genome position (GRCh38, 1-based): chr21:37,065,611, C>G on the plus strand (G>C on the coding strand, the complement: PIGP is on the minus strand). VCF-style: chr21-37065611-C-G. GRCh37 (hg19) VCF-style: chr21-38437911-C-G.
Other names: c.376G>C, p.Ala126Pro (NM_001320480.2); c.298G>C, p.Ala100Pro (NM_016430.4); c.448G>C, p.Ala150Pro (NM_153681.2); short protein forms A150P, A100P, A126P.
Identifiers: ClinVar variation 2165486 (VCV002165486.1), dbSNP rs142431257, ClinGen allele CA10021022.

ClinVar aggregate classification (germline): Uncertain significance (1 of 4 stars; one submission).

Allele frequency attached by ClinVar (database versions not stated): ExAC 0.00002; gnomAD 0.00005; TOPMed 0.00005; ESP Exome Variant Server 0.00008.
gnomAD v4.1: 10 of 1,612,886 alleles (0.00062%); highest among the groups gnomAD compares: African/African-American, 0.013%; no homozygotes.

Submission:

Labcorp Genetics (formerly Invitae), Labcorp
Classification: Uncertain significance. Last evaluated: 2022-02-08. Review status: criteria provided, single submitter. Criteria: Invitae Variant Classification Sherloc (09022015). Collection method: clinical testing. Allele origin: germline.
Comment: This sequence change replaces alanine, which is neutral and non-polar, with proline, which is neutral and non-polar, at codon 150 of the PIGP protein (p.Ala150Pro). This variant is present in population databases (rs142431257, gnomAD 0.01%). This variant has not been reported in the literature in individuals affected with PIGP-related conditions. Algorithms developed to predict the effect of missense changes on protein structure and function (SIFT, PolyPhen-2, Align-GVGD) all suggest that this variant is likely to be tolerated. In summary, the available evidence is currently insufficient to determine the role of this variant in disease. Therefore, it has been classified as a Variant of Uncertain Significance.